The following is an entry in ClinVar:

ClinVar aggregate classification (germline): Conflicting classifications of pathogenicity. Review status: criteria provided, conflicting classifications (1 of 4 stars). 2 submissions from 2 submitters: Uncertain significance (1); Likely benign (1). Last evaluated 2025-07-30.

Conditions:
Syndromic multisystem autoimmune disease due to ITCH deficiency. Also called: AUTOIMMUNE DISEASE, MULTISYSTEM, WITH FACIAL DYSMORPHISM. Identifiers: Orphanet 228426, MedGen C3150649, MONDO:0013245, OMIM 613385.

Allele frequency attached by ClinVar (database versions not stated): 1000 Genomes Project 30x 0.00016; TOPMed 0.00001; gnomAD 0.00005; 1000 Genomes Project 0.00020; ExAC 0.00002; gnomAD exomes 0.00003.
gnomAD v4.1: 48 of 1,613,906 alleles (0.003%); highest among the groups gnomAD compares: East Asian, 0.089%; no homozygotes.

Submissions (2):

Mayo Clinic Laboratories, Mayo Clinic
Classification: Likely benign. Last evaluated: 2025-07-30. Review status: criteria provided, single submitter. Criteria: ACMG Guidelines, 2015. Collection method: clinical testing. Allele origin: germline. Observed: 1 variant allele.
Comment: BS1, BP4_moderate

Labcorp Genetics (formerly Invitae), Labcorp
Classification: Uncertain significance for Syndromic multisystem autoimmune disease due to ITCH deficiency. Last evaluated: 2022-04-20. Review status: criteria provided, single submitter. Criteria: Invitae Variant Classification Sherloc (09022015). Collection method: clinical testing. Allele origin: germline.
Comment: In summary, the available evidence is currently insufficient to determine the role of this variant in disease. Therefore, it has been classified as a Variant of Uncertain Significance. Algorithms developed to predict the effect of missense changes on protein structure and function are either unavailable or do not agree on the potential impact of this missense change (SIFT: "Not Available"; PolyPhen-2: "Benign"; Align-GVGD: "Not Available"). This variant has not been reported in the literature in individuals affected with ITCH-related conditions. This variant is present in population databases (rs200506310, gnomAD 0.06%). This sequence change replaces aspartic acid, which is acidic and polar, with histidine, which is basic and polar, at codon 181 of the ITCH protein (p.Asp181His).

NM_031483.7(ITCH):c.541G>C (p.Asp181His)

Gene: ITCH (itchy E3 ubiquitin protein ligase; plus strand). Cytogenetic location: 20q11.22.
Variant type: single nucleotide variant.
Coding change: c.541G>C on transcript NM_031483.7 (MANE Select); coding-DNA position 541, G replaced by C.
Protein change: p.Asp181His; replaces aspartic acid 181 with histidine.
Molecular consequence: missense variant.
Genome position (GRCh38, 1-based): chr20:34,438,493, G>C. VCF-style: chr20-34438493-G-C. GRCh37 (hg19) VCF-style: chr20-33026298-G-C.
Other names: p.Asp181His; c.664G>C, p.Asp222His (NM_001257137.3, NM_001324197.2); c.211G>C, p.Asp71His (NM_001257138.3); c.541G>C, p.Asp181His (NM_001324198.2); short protein forms D181H, D222H, D71H.
Identifiers: ClinVar variation 2427922 (VCV002427922.6), dbSNP rs200506310, ClinGen allele CA9821373.